The following is an entry in ClinVar:

ClinVar aggregate classification (germline): Uncertain significance (1 of 4 stars; one submission).

Submission:

CeGaT Center for Human Genetics Tuebingen
Classification: Uncertain significance. Last evaluated: 2024-06-01. Review status: criteria provided, single submitter. Criteria: CeGaT Center For Human Genetics Tuebingen Variant Classification Criteria Version 2. Collection method: clinical testing. Allele origin: germline. Affected: yes. Observed: 1 variant allele.
Comment: BRPF1: PM2

NM_001003694.2(BRPF1):c.3218G>T (p.Ser1073Ile)

Gene: BRPF1 (bromodomain and PHD finger containing 1; plus strand). Cytogenetic location: 3p25.3.
Variant type: single nucleotide variant.
Coding change: c.3218G>T on transcript NM_001003694.2 (MANE Select); coding-DNA position 3218, G replaced by T.
Protein change: p.Ser1073Ile; replaces serine 1073 with isoleucine.
Molecular consequence: missense variant. On other transcripts: non-coding transcript variant (1).
Genome position (GRCh38, 1-based): chr3:9,745,824, G>T. VCF-style: chr3-9745824-G-T. GRCh37 (hg19) VCF-style: chr3-9787508-G-T.
Other names: c.2915G>T, p.Ser972Ile (NM_001319049.2); c.3197G>T, p.Ser1066Ile (NM_001319050.2); c.3215G>T, p.Ser1072Ile (NM_001410704.1); c.3200G>T, p.Ser1067Ile (NM_004634.3); short protein forms S1066I, S1067I, S1072I, S1073I, S972I.
Identifiers: ClinVar variation 3250967 (VCV003250967.18), dbSNP rs199508235.
Genomic context (GRCh38, chr3:9,745,824, plus strand): 5'-CCAGCCCCCCAGCTGCTGATCCACCCCCTCTCCCCCATTCCTGTGAAGTGGTAAGGAAGA[G>T]TCTGGGCCGGGGAGCTGGCTGGCTGTCAGAGGATGAGGACTCCCCGCTGGATGCTCTGGA-3'
Protein context (NP_001003694.1, residues 1063-1083): RGVGHSMVRK[Ser1073Ile]LGRGAGWLSE